The following is an entry in ClinVar:

ClinVar aggregate classification (germline): Pathogenic (1 of 4 stars; one submission).

Conditions:
VPS13A-related neurodegenerative disease. Also called: ACANTHOCYTOSIS WITH NEUROLOGIC DISORDER; LEVINE-CRITCHLEY SYNDROME; Choreoacanthocytosis; Chorea-acanthocytosis; Choreaacanthocytosis; VPS13A Disease. Identifiers: Orphanet 2388, MedGen C0393576, MONDO:0008695, OMIM 200150.

Submission:

Myriad Genetics, Inc.
Classification: Pathogenic for VPS13A-related neurodegenerative disease. Last evaluated: 2023-10-11. Review status: criteria provided, single submitter. Criteria: Myriad Autosomal Dominant, Autosomal Recessive and X-Linked Classification Criteria (2023). Collection method: clinical testing. Allele origin: unknown.
Comment: NM_033305.2(VPS13A):c.367C>T(Q123*) is expected to be pathogenic in the context of VPS13A disease. This variant is predicted to lead to an abnormal or absent protein product due to the creation of a premature termination codon in VPS13A, a gene where loss-of-function variants are known to be pathogenic. Please note: this variant was assessed in the context of healthy population screening.

NM_033305.3(VPS13A):c.367C>T (p.Gln123Ter)

Gene: VPS13A (vacuolar protein sorting 13 homolog A; plus strand). Cytogenetic location: 9q21.2.
Variant type: single nucleotide variant.
Coding change: c.367C>T on transcript NM_033305.3 (MANE Select); coding-DNA position 367, C replaced by T.
Protein change: p.Gln123Ter; replaces glutamine 123 with a stop codon.
Molecular consequence: nonsense.
Genome position (GRCh38, 1-based): chr9:77,206,061, C>T. VCF-style: chr9-77206061-C-T. GRCh37 (hg19) VCF-style: chr9-79820977-C-T.
Other names: c.367C>T, p.Gln123Ter (NM_001018037.2, NM_001018038.3, NM_015186.4); short protein forms Q123*.
Identifiers: ClinVar variation 5012377 (VCV005012377.1).